The following is an entry in ClinVar:

NM_007129.5(ZIC2):c.1573T>A (p.Ser525Thr)

Gene: ZIC2 (Zic family zinc finger 2; plus strand). Cytogenetic location: 13q32.3.
Variant type: single nucleotide variant.
Coding change: c.1573T>A on transcript NM_007129.5 (MANE Select); coding-DNA position 1573, T replaced by A.
Protein change: p.Ser525Thr; replaces serine 525 with threonine.
Molecular consequence: missense variant.
Genome position (GRCh38, 1-based): chr13:99,985,656, T>A. VCF-style: chr13-99985656-T-A. GRCh37 (hg19) VCF-style: chr13-100637910-T-A.
Other names: short protein forms S525T.
Identifiers: ClinVar variation 3018551 (VCV003018551.3), dbSNP rs2501552496, ClinGen allele CA388639840.

ClinVar aggregate classification (germline): Uncertain significance (1 of 4 stars; one submission).

Conditions:
Holoprosencephaly 5 (HPE5). Identifiers: Orphanet 2162, MedGen C1864827, MONDO:0012322, OMIM 609637.

Allele frequency attached by ClinVar (database versions not stated): gnomAD exomes below 0.00001.

Submission:

Labcorp Genetics (formerly Invitae), Labcorp
Classification: Uncertain significance for Holoprosencephaly 5. Last evaluated: 2024-01-07. Review status: criteria provided, single submitter. Criteria: Invitae Variant Classification Sherloc (09022015). Collection method: clinical testing. Allele origin: germline.
Comment: This sequence change replaces serine, which is neutral and polar, with threonine, which is neutral and polar, at codon 525 of the ZIC2 protein (p.Ser525Thr). This variant is not present in population databases (gnomAD no frequency). This variant has not been reported in the literature in individuals affected with ZIC2-related conditions. Experimental studies and prediction algorithms are not available or were not evaluated, and the functional significance of this variant is currently unknown. In summary, the available evidence is currently insufficient to determine the role of this variant in disease. Therefore, it has been classified as a Variant of Uncertain Significance.